The following is an entry in ClinVar:

NM_000170.3(GLDC):c.1041A>C (p.Arg347Ser)

Gene: GLDC (glycine decarboxylase; minus strand). Cytogenetic location: 9p24.1.
Variant type: single nucleotide variant.
Coding change: c.1041A>C on transcript NM_000170.3 (MANE Select); coding-DNA position 1041, A replaced by C.
Protein change: p.Arg347Ser; replaces arginine 347 with serine.
Molecular consequence: missense variant.
Genome position (GRCh38, 1-based): chr9:6,604,605, T>G on the plus strand (A>C on the coding strand, the complement: GLDC is on the minus strand). VCF-style: chr9-6604605-T-G. GRCh37 (hg19) VCF-style: chr9-6604605-T-G.
Other names: short protein forms R347S.
Identifiers: ClinVar variation 846862 (VCV000846862.10), dbSNP rs1818691758, ClinGen allele CA372895322.

ClinVar aggregate classification (germline): Pathogenic (1 of 4 stars; one submission).

Conditions:
Glycine encephalopathy. Also called: Nonketotic hyperglycinemia; Non-ketotic hyperglycinemia. Identifiers: Orphanet 407, MedGen C0751748, MONDO:0011612, HP:0008288.

Submission:

Labcorp Genetics (formerly Invitae), Labcorp
Classification: Pathogenic for Glycine encephalopathy. Last evaluated: 2020-01-04. Review status: criteria provided, single submitter. Criteria: Invitae Variant Classification Sherloc (09022015). Collection method: clinical testing. Allele origin: germline.
Comment: Advanced modeling of protein sequence and biophysical properties (such as structural, functional, and spatial information, amino acid conservation, physicochemical variation, residue mobility, and thermodynamic stability) performed at Invitae indicates that this missense variant is expected to disrupt GLDC protein function. This variant has been observed in an individual with glycine encephalopathy (PMID: 26179960, 27362913). In this individual, the data is consistent with the variant being in trans (on the opposite chromosome) from a pathogenic variant. This variant is not present in population databases (ExAC no frequency). This sequence change replaces arginine with serine at codon 347 of the GLDC protein (p.Arg347Ser). The arginine residue is highly conserved and there is a moderate physicochemical difference between arginine and serine. For these reasons, this variant has been classified as Pathogenic.

Literature cited by the submitters: PubMed 26179960; PubMed 27362913.